The following is an entry in ClinVar:

NM_001256545.2(MEGF10):c.2022C>T (p.Thr674=)

Gene: MEGF10 (multiple EGF like domains 10; plus strand). Cytogenetic location: 5q23.2.
Variant type: single nucleotide variant.
Coding change: c.2022C>T on transcript NM_001256545.2 (MANE Select); coding-DNA position 2022, C replaced by T.
Protein change: p.Thr674=; no amino-acid change (threonine 674 retained).
Molecular consequence: synonymous variant.
Genome position (GRCh38, 1-based): chr5:127,435,407, C>T. VCF-style: chr5-127435407-C-T. GRCh37 (hg19) VCF-style: chr5-126771099-C-T.
Other names: c.2022C>T, p.Thr674= (NM_032446.3).
Identifiers: ClinVar variation 724038 (VCV000724038.13), dbSNP rs749631882, ClinGen allele CA3391816.

ClinVar aggregate classification (germline): Likely benign. Review status: criteria provided, multiple submitters, no conflicts (2 of 4 stars). 3 submissions from 3 submitters: Likely benign (2). 1 of the submissions does not count toward it. Last evaluated 2025-02-12.

Conditions:
MEGF10-related disorder. Also called: MEGF10-related condition.
MEGF10-related myopathy (CMYO10A). Also called: Congenital myopathy 10A, severe variant. Identifiers: Orphanet 439212, MedGen C3280679, MONDO:0013731, OMIM 614399.

Allele frequency attached by ClinVar (database versions not stated): ExAC 0.00004; gnomAD 0.00004; gnomAD exomes 0.00004 and 0.00013; TOPMed 0.00004.
gnomAD v4.1: 203 of 1,614,018 alleles (0.013%); highest among the groups gnomAD compares: Non-Finnish European, 0.016%; no homozygotes.

Submissions (3):

Labcorp Genetics (formerly Invitae), Labcorp
Classification: Likely benign for MEGF10-related myopathy. Last evaluated: 2025-02-12. Review status: criteria provided, single submitter. Criteria: Invitae Variant Classification Sherloc (09022015). Collection method: clinical testing. Allele origin: germline.

Blueprint Genetics
Classification: Likely benign. Last evaluated: 2024-02-21. Review status: criteria provided, single submitter. Criteria: ACMG Guidelines, 2015. Collection method: clinical testing. Allele origin: germline.

PreventionGenetics, part of Exact Sciences
Classification: Likely benign for MEGF10-related condition. Last evaluated: 2024-05-06. Review status: no assertion criteria provided. Collection method: clinical testing. Allele origin: germline. Not counted in ClinVar's aggregate classification.
Comment: This variant is classified as likely benign based on ACMG/AMP sequence variant interpretation guidelines (Richards et al. 2015 PMID: 25741868, with internal and published modifications).